The following is an entry in ClinVar:

ClinVar aggregate classification (germline): Uncertain significance (1 of 4 stars; one submission).

gnomAD v4.1: 40 of 1,208,736 alleles (0.0033%); highest among the groups gnomAD compares: South Asian, 0.051%; no homozygotes.

Submission:

Labcorp Genetics (formerly Invitae), Labcorp
Classification: Uncertain significance. Last evaluated: 2024-05-09. Review status: criteria provided, single submitter. Criteria: Invitae Variant Classification Sherloc (09022015). Collection method: clinical testing. Allele origin: germline.
Comment: This sequence change replaces proline, which is neutral and non-polar, with serine, which is neutral and polar, at codon 169 of the TSR2 protein (p.Pro169Ser). This variant is present in population databases (rs749636767, gnomAD 0.06%), and has an allele count higher than expected for a pathogenic variant. This variant has not been reported in the literature in individuals affected with TSR2-related conditions. Algorithms developed to predict the effect of missense changes on protein structure and function output the following: SIFT: "Not Available"; PolyPhen-2: "Benign"; Align-GVGD: "Not Available". The serine amino acid residue is found in multiple mammalian species, which suggests that this missense change does not adversely affect protein function. In summary, the available evidence is currently insufficient to determine the role of this variant in disease. Therefore, it has been classified as a Variant of Uncertain Significance.

NM_058163.3(TSR2):c.505C>T (p.Pro169Ser)

Gene: TSR2 (TSR2 ribosome maturation factor; plus strand). Cytogenetic location: Xp11.22.
Variant type: single nucleotide variant.
Coding change: c.505C>T on transcript NM_058163.3 (MANE Select); coding-DNA position 505, C replaced by T.
Protein change: p.Pro169Ser; replaces proline 169 with serine.
Molecular consequence: missense variant.
Genome position (GRCh38, 1-based): chrX:54,444,479, C>T. VCF-style: chrX-54444479-C-T. GRCh37 (hg19) VCF-style: chrX-54470912-C-T.
Other names: c.496C>T, p.Pro166Ser (NM_001346789.2); c.220C>T, p.Pro74Ser (NM_001346790.2, NM_001346791.2, NM_001346792.2); short protein forms P166S, P74S, P169S.
Identifiers: ClinVar variation 3707807 (VCV003707807.2).